The following is an entry in ClinVar:

NM_152564.5(VPS13B):c.10440_10441del (p.Cys3481fs)

Gene: VPS13B (vacuolar protein sorting 13 homolog B; plus strand). Cytogenetic location: 8q22.2.
Variant type: Deletion.
Coding change: c.10440_10441del on transcript NM_152564.5 (MANE Select); coding-DNA positions 10440 to 10441, 2 bases deleted (TT; older notation c.10440_10441delTT).
Protein change: p.Cys3481fs; shifts the reading frame from cysteine 3481.
Molecular consequence: frameshift variant.
Genome position (GRCh38, 1-based): chr8:99,853,829-99,853,830, TT deleted; deleting any 2 consecutive bases within chr8:99,853,828-99,853,830 gives the same sequence; the c. name uses the placement nearest the transcript's 3' end. VCF-style (leftmost placement, unchanged base first): chr8-99853827-CTT-C. GRCh37 (hg19) VCF-style: chr8-100866055-CTT-C.
Other names: c.10515_10516del, p.Cys3506fs (NM_017890.5); short protein forms C3481fs, C3506fs.
Identifiers: ClinVar variation 559918 (VCV000559918.9), dbSNP rs1554581504, ClinGen allele CA658821913.

ClinVar aggregate classification (germline): Pathogenic/Likely pathogenic. Review status: criteria provided, multiple submitters, no conflicts (2 of 4 stars). 2 submissions from 2 submitters: Pathogenic (1); Likely pathogenic (1). Last evaluated 2022-07-06.

Conditions:
Cohen syndrome (COH1). Also called: PEPPER SYNDROME; Cutis verticis gyrata, retinitis pigmentosa, and sensorineural deafness. Identifiers: Orphanet 193, MedGen C0265223, MONDO:0008999, OMIM 216550.

Submissions (2):

Labcorp Genetics (formerly Invitae), Labcorp
Classification: Pathogenic for Cohen syndrome. Last evaluated: 2022-07-06. Review status: criteria provided, single submitter. Criteria: Invitae Variant Classification Sherloc (09022015). Collection method: clinical testing. Allele origin: germline.
Comment: This sequence change creates a premature translational stop signal (p.Cys3506Hisfs*5) in the VPS13B gene. It is expected to result in an absent or disrupted protein product. Loss-of-function variants in VPS13B are known to be pathogenic (PMID: 15141358, 16648375, 20461111). For these reasons, this variant has been classified as Pathogenic. ClinVar contains an entry for this variant (Variation ID: 559918). This premature translational stop signal has been observed in individual(s) with Cohen syndrome (Invitae). This variant is not present in population databases (gnomAD no frequency).

Equipe Genetique des Anomalies du Developpement, Université de Bourgogne
Classification: Likely pathogenic for Cohen syndrome. Last evaluated: 2015-04-08. Review status: criteria provided, single submitter. Criteria: ACMG Guidelines, 2015. Collection method: clinical testing. Allele origin: unknown. Affected: yes. Study: Clinvar_gadteam_Clinical_exome_analysis_3.

Literature cited by the submitters: PubMed 15141358 (cited by Labcorp Genetics (formerly Invitae), Labcorp); PubMed 16648375 (cited by Labcorp Genetics (formerly Invitae), Labcorp); PubMed 20461111 (cited by Labcorp Genetics (formerly Invitae), Labcorp).